The following is an entry in ClinVar:

NM_000821.7(GGCX):c.1306C>T (p.Arg436Ter)

Gene: GGCX (gamma-glutamyl carboxylase; minus strand). Cytogenetic location: 2p11.2.
Variant type: single nucleotide variant.
Coding change: c.1306C>T on transcript NM_000821.7 (MANE Select); coding-DNA position 1306, C replaced by T.
Protein change: p.Arg436Ter; replaces arginine 436 with a stop codon.
Molecular consequence: nonsense.
Genome position (GRCh38, 1-based): chr2:85,552,549, G>A on the plus strand (C>T on the coding strand, the complement: GGCX is on the minus strand). VCF-style: chr2-85552549-G-A. GRCh37 (hg19) VCF-style: chr2-85779672-G-A.
Other names: c.1135C>T, p.Arg379Ter (NM_001142269.4); c.1306C>T (NM_000821.6); short protein forms R379*, R436*.
Identifiers: ClinVar variation 1361138 (VCV001361138.3), dbSNP rs748892794, ClinGen allele CA1741847.

ClinVar aggregate classification (germline): Pathogenic/Likely pathogenic. Review status: criteria provided, multiple submitters, no conflicts (2 of 4 stars). 2 submissions from 2 submitters: Pathogenic (1); Likely pathogenic (1). Last evaluated 2023-04-12.

Conditions:
GGCX-related disorder. Also called: GGCX-related condition; GGCX - Related Disorders.

Allele frequency attached by ClinVar (database versions not stated): gnomAD 0.00001; TOPMed 0.00001; gnomAD exomes 0.00002; ExAC 0.00003.

Submissions (2):

PreventionGenetics, part of Exact Sciences
Classification: Likely pathogenic for GGCX-related condition. Last evaluated: 2023-04-12. Review status: criteria provided, single submitter. Criteria: ACMG Guidelines, 2015. Collection method: clinical testing. Allele origin: germline.
Comment: The GGCX c.1306C>T variant is predicted to result in premature protein termination (p.Arg436*). This variant was reported in the heterozygous state in two individual with pulmonary arterial hypertension with or without congenital heart disease (Zhu et al. 2019. PubMed ID: 31727138). This variant is reported in 0.0062% of alleles in individuals of African descent in gnomAD. Nonsense variants in GGCX are expected to be pathogenic. This variant is interpreted as likely pathogenic.

Labcorp Genetics (formerly Invitae), Labcorp
Classification: Pathogenic. Last evaluated: 2021-06-14. Review status: criteria provided, single submitter. Criteria: Invitae Variant Classification Sherloc (09022015). Collection method: clinical testing. Allele origin: germline.
Comment: This sequence change creates a premature translational stop signal (p.Arg436*) in the GGCX gene. It is expected to result in an absent or disrupted protein product. Loss-of-function variants in GGCX are known to be pathogenic (PMID: 17110937, 17327402, 24520408). This variant is present in population databases (rs748892794, ExAC 0.01%). This variant has not been reported in the literature in individuals with GGCX-related conditions. Algorithms developed to predict the effect of sequence changes on RNA splicing suggest that this variant may create or strengthen a splice site, but this prediction has not been confirmed by published transcriptional studies. For these reasons, this variant has been classified as Pathogenic.

Literature cited by the submitters: PubMed 17110937 (cited by Labcorp Genetics (formerly Invitae), Labcorp); PubMed 17327402 (cited by Labcorp Genetics (formerly Invitae), Labcorp); PubMed 24520408 (cited by Labcorp Genetics (formerly Invitae), Labcorp).